The following is an entry in ClinVar:

NM_017433.5(MYO3A):c.1053+2T>A

Gene: MYO3A (myosin IIIA; plus strand). Cytogenetic location: 10p12.1.
Variant type: single nucleotide variant.
Coding change: c.1053+2T>A on transcript NM_017433.5 (MANE Select); the canonical splice donor site of the intron after coding-DNA position 1053, T replaced by A.
Molecular consequence: splice donor variant.
Genome position (GRCh38, 1-based): chr10:26,067,076, T>A. VCF-style: chr10-26067076-T-A. GRCh37 (hg19) VCF-style: chr10-26356005-T-A.
Identifiers: ClinVar variation 3601434 (VCV003601434.3).
Genomic context (GRCh38, chr10:26,067,076, plus strand): 5'-CTCTAATATCCAATCTGAAGGATGTAGATGATTTAGCAACCCTAGAAATTTTGGATGAGG[T>A]AAGAATTTCAGTTTAATTAAACTTAGACATTCCAGATGTTTTGTTAATTTATAGAAGACA-3'

ClinVar aggregate classification (germline): Likely pathogenic. Review status: criteria provided, multiple submitters, no conflicts (2 of 4 stars). 2 submissions from 2 submitters: Likely pathogenic (2). Last evaluated 2025-01-09.

Conditions:
Autosomal recessive nonsyndromic hearing loss 30. Identifiers: Orphanet 90636, MedGen C1846784, MONDO:0011774, OMIM 607101.
Hearing loss, autosomal dominant 90. Also called: Deafness, autosomal dominant 90. Identifiers: MedGen C5935579, MONDO:0958232, OMIM 620722.

gnomAD v4.1: 2 of 1,579,174 alleles (0.00013%); highest among the groups gnomAD compares: East Asian, 0.0022%; no homozygotes.

Submissions (2):

Institute of Rare Diseases, West China Hospital, Sichuan University
Classification: Likely pathogenic for Autosomal recessive nonsyndromic hearing loss 30. Last evaluated: 2025-01-09. Review status: criteria provided, single submitter. Criteria: ClinGen HL ACMG Specifications v1. Collection method: research. Allele origin: germline. Affected: yes.
Comment: PVS1;PM2_Supporting

Juno Genomics, Hangzhou Juno Genomics, Inc
Classification: Likely pathogenic for Hearing loss, autosomal dominant 90; Autosomal recessive nonsyndromic hearing loss 30. Review status: criteria provided, single submitter. Criteria: ACMG Guidelines, 2015. Collection method: clinical testing. Allele origin: germline.
Comment: Null variant in a gene where loss of function (LOF) is a known mechanism of disease.;Absent from controls (or at extremely low frequency if recessive) in Genome Aggregation Database.